The following is an entry in ClinVar:

ClinVar aggregate classification (germline): Uncertain significance (1 of 4 stars; one submission).

gnomAD v4.1: 15 of 1,612,942 alleles (0.00093%); highest among the groups gnomAD compares: Non-Finnish European, 0.0013%; no homozygotes.

Submission:

GeneDx
Classification: Uncertain significance. Last evaluated: 2023-12-20. Review status: criteria provided, single submitter. Criteria: GeneDx Variant Classification Process June 2021. Collection method: clinical testing. Allele origin: germline. Affected: yes.
Comment: Not observed at significant frequency in large population cohorts (gnomAD); In silico analysis supports that this missense variant does not alter protein structure/function; Has not been previously published as pathogenic or benign to our knowledge

NM_001286577.2(C2CD3):c.5491G>A (p.Gly1831Arg)

Gene: C2CD3 (C2 domain containing 3 centriole elongation regulator; minus strand). Cytogenetic location: 11q13.4.
Variant type: single nucleotide variant.
Coding change: c.5491G>A on transcript NM_001286577.2 (MANE Select); coding-DNA position 5491, G replaced by A.
Protein change: p.Gly1831Arg; replaces glycine 1831 with arginine.
Molecular consequence: missense variant.
Genome position (GRCh38, 1-based): chr11:74,048,209, C>T on the plus strand (G>A on the coding strand, the complement: C2CD3 is on the minus strand). VCF-style: chr11-74048209-C-T. GRCh37 (hg19) VCF-style: chr11-73759254-C-T.
Other names: c.5491G>A, p.Gly1831Arg (NM_015531.6); short protein forms G1831R.
Identifiers: ClinVar variation 3365798 (VCV003365798.1).